The following is an entry in ClinVar:

ClinVar aggregate classification (germline): Uncertain significance. Review status: criteria provided, multiple submitters, no conflicts (2 of 4 stars). 6 submissions from 6 submitters: Uncertain significance (5). 1 of the submissions does not count toward it. Last evaluated 2024-11-08.

Conditions:
Congenital neutropenia-myelofibrosis-nephromegaly syndrome. Also called: Severe congenital neutropenia 5, autosomal recessive. Identifiers: Orphanet 369852, MedGen C3809031, MONDO:0014118, OMIM 615285.

Allele frequency attached by ClinVar (database versions not stated): 1000 Genomes Project 30x 0.00047; gnomAD exomes 0.00055; ExAC 0.00056; 1000 Genomes Project 0.00060; gnomAD 0.00061; TOPMed 0.00062; ESP Exome Variant Server 0.00077.
gnomAD v4.1: 1,074 of 1,613,682 alleles (0.067%); highest among the groups gnomAD compares: Non-Finnish European, 0.082%; no homozygotes.

Submissions (7):

Mayo Clinic Laboratories, Mayo Clinic
Classification: Uncertain significance. Last evaluated: 2024-11-08. Review status: criteria provided, single submitter. Criteria: ACMG Guidelines, 2015. Collection method: clinical testing. Allele origin: germline. Observed: 3 variant alleles.
Comment: BS1

Blueprint Genetics
Classification: Uncertain significance. Last evaluated: 2024-09-25. Review status: criteria provided, single submitter. Criteria: ACMG Guidelines, 2015. Collection method: clinical testing. Allele origin: germline.

Labcorp Genetics (formerly Invitae), Labcorp
Classification: Uncertain significance for Congenital neutropenia-myelofibrosis-nephromegaly syndrome. Last evaluated: 2022-10-13. Review status: criteria provided, single submitter. Criteria: Invitae Variant Classification Sherloc (09022015). Collection method: clinical testing. Allele origin: germline.
Comment: This sequence change replaces glutamic acid, which is acidic and polar, with glycine, which is neutral and non-polar, at codon 189 of the VPS45 protein (p.Glu189Gly). This variant is present in population databases (rs144659538, gnomAD 0.1%), and has an allele count higher than expected for a pathogenic variant. This variant has not been reported in the literature in individuals affected with VPS45-related conditions. ClinVar contains an entry for this variant (Variation ID: 541273). Advanced modeling of protein sequence and biophysical properties (such as structural, functional, and spatial information, amino acid conservation, physicochemical variation, residue mobility, and thermodynamic stability) performed at Invitae indicates that this missense variant is not expected to disrupt VPS45 protein function. Algorithms developed to predict the effect of sequence changes on RNA splicing suggest that this variant may create or strengthen a splice site. In summary, the available evidence is currently insufficient to determine the role of this variant in disease. Therefore, it has been classified as a Variant of Uncertain Significance.

Center for Genomics, Ann and Robert H. Lurie Children's Hospital of Chicago
Classification: Uncertain significance for Congenital neutropenia-myelofibrosis-nephromegaly syndrome. Last evaluated: 2021-05-12. Review status: criteria provided, single submitter. Criteria: ACMG Guidelines, 2015. Collection method: clinical testing. Allele origin: germline.
Comment: VPS45 NM_007259.4 exon 6 p.Glu189Gly (c.566A>G): This variant has not been reported in the literature but is present in 0.1% (82/68028) of European alleles in the Genome Aggregation Database. This variant is present in ClinVar (Variation ID:541273). Evolutionary conservation suggests that this variant may impact the protein; computational predictive tools for this variant are unclear. Of note, although this variant occurs in the exon, splice prediction tools suggest that this variant may affect splicing. However, further studies are needed to understand its impact. In summary, data on this variant is insufficient for disease classification. Therefore, the clinical significance of this variant is uncertain.

Baylor Genetics
Classification: Uncertain significance for Congenital neutropenia-myelofibrosis-nephromegaly syndrome. Last evaluated: 2020-10-23. Review status: criteria provided, single submitter. Criteria: ACMG Guidelines, 2015. Collection method: clinical testing. Allele origin: unknown. Affected: yes.
Comment: This variant was determined to be of uncertain significance according to ACMG Guidelines, 2015 [PMID:25741868].

Natera, Inc.
Classification: Uncertain significance for Autosomal recessive severe congenital neutropenia 5. Last evaluated: 2020-06-25. Review status: no assertion criteria provided. Collection method: clinical testing. Allele origin: germline. Not counted in ClinVar's aggregate classification.

Dr. Peter K. Rogan Lab, Western University
No classification provided (evidence only). Condition: Gastric cancer. Review status: no classification provided. Collection method: in vitro. Allele origin: not applicable. Functional consequence: retained intron. Not counted in ClinVar's aggregate classification.

NM_007259.5(VPS45):c.566A>G (p.Glu189Gly)

Gene: VPS45 (vacuolar protein sorting 45 homolog; plus strand). Cytogenetic location: 1q21.2.
Variant type: single nucleotide variant.
Coding change: c.566A>G on transcript NM_007259.5 (MANE Select); coding-DNA position 566, A replaced by G.
Protein change: p.Glu189Gly; replaces glutamic acid 189 with glycine.
Molecular consequence: missense variant. On other transcripts: intron variant (1).
Genome position (GRCh38, 1-based): chr1:150,077,221, A>G. VCF-style: chr1-150077221-A-G. GRCh37 (hg19) VCF-style: chr1-150049299-A-G.
Other names: p.Glu189Gly; c.566A>G, p.Glu189Gly (LRG_1170t1); c.458A>G, p.Glu153Gly (NM_001279354.2); c.262-448A>G (NM_001279353.2); short protein forms E189G, E153G.
Identifiers: ClinVar variation 541273 (VCV000541273.11), dbSNP rs144659538, ClinGen allele CA1073161.